The following is an entry in ClinVar:

ClinVar aggregate classification (germline): Conflicting classifications of pathogenicity. Review status: criteria provided, conflicting classifications (1 of 4 stars). 3 submissions from 3 submitters: Uncertain significance (2); Benign (1). Last evaluated 2024-10-11.

Conditions:
Tuberous sclerosis syndrome (TSC). Also called: Tuberous Sclerosis Complex; Tuberous sclerosis. Identifiers: Orphanet 805, MedGen C0041341, MONDO:0001734.
Tuberous sclerosis 2 (TSC2). Identifiers: Orphanet 805, MedGen C1860707, MONDO:0013199, OMIM 613254.
Hereditary cancer-predisposing syndrome. Also called: Tumor predisposition; Hereditary neoplastic syndrome; Hereditary Cancer Syndrome; Neoplastic Syndromes, Hereditary. Identifiers: Orphanet 140162, MedGen C0027672, MeSH D009386, MONDO:0015356.

Allele frequency attached by ClinVar (database versions not stated): ExAC 0.00001.

Submissions (3):

Ambry Genetics
Classification: Uncertain significance for Hereditary cancer-predisposing syndrome. Last evaluated: 2024-10-11. Review status: criteria provided, single submitter. Criteria: Ambry Variant Classification Scheme 2023. Collection method: clinical testing. Allele origin: germline.
Comment: The p.R1328G variant (also known as c.3982A>G), located in coding exon 32 of the TSC2 gene, results from an A to G substitution at nucleotide position 3982. The arginine at codon 1328 is replaced by glycine, an amino acid with dissimilar properties. This amino acid position is conserved. In addition, the in silico prediction for this alteration is inconclusive. Based on the available evidence, the clinical significance of this variant remains unclear.

All of Us Research Program, National Institutes of Health
Classification: Uncertain significance for Tuberous sclerosis syndrome. Last evaluated: 2023-04-03. Review status: criteria provided, single submitter. Criteria: ACMG Guidelines, 2015. Collection method: clinical testing. Allele origin: germline. Inheritance: Autosomal dominant inheritance. Observed: 1 variant allele, 1 heterozygote.
Comment: This missense variant replaces arginine with glycine at codon 1328 of the TSC2 protein. Computational prediction is inconclusive regarding the impact of this variant on protein structure and function (internally defined REVEL score threshold 0.5 < inconclusive < 0.7, PMID: 27666373). To our knowledge, functional studies have not been reported for this variant. This variant has not been reported in individuals affected with TSC2-related disorders in the literature. This variant has been identified in 1/245658 chromosomes in the general population by the Genome Aggregation Database (gnomAD). The available evidence is insufficient to determine the role of this variant in disease conclusively. Therefore, this variant is classified as a Variant of Uncertain Significance.

This study involves interpretation of variants in research participants for the purpose of population health screening. Participant phenotype was not available at the time of variant classification. Additional details can be found in publication PMID: 35346344, PMCID: PMC8962531

Labcorp Genetics (formerly Invitae), Labcorp
Classification: Benign for Tuberous sclerosis 2. Last evaluated: 2022-05-12. Review status: criteria provided, single submitter. Criteria: Invitae Variant Classification Sherloc (09022015). Collection method: clinical testing. Allele origin: germline.

NM_000548.5(TSC2):c.3982A>G (p.Arg1328Gly)

Gene: TSC2 (TSC complex subunit 2; plus strand). Cytogenetic location: 16p13.3.
Variant type: single nucleotide variant.
Coding change: c.3982A>G on transcript NM_000548.5 (MANE Select); coding-DNA position 3982, A replaced by G.
Protein change: p.Arg1328Gly; replaces arginine 1328 with glycine.
Molecular consequence: missense variant.
Genome position (GRCh38, 1-based): chr16:2,083,793, A>G. VCF-style: chr16-2083793-A-G. GRCh37 (hg19) VCF-style: chr16-2133794-A-G.
Other names: c.3781A>G, p.Arg1261Gly (NM_001077183.3); c.3913A>G, p.Arg1305Gly (NM_001114382.3); c.3673A>G, p.Arg1225Gly (NM_001318827.2); c.3637A>G, p.Arg1213Gly (NM_001318829.2); c.3250A>G, p.Arg1084Gly (NM_001318831.2); c.3814A>G, p.Arg1272Gly (NM_001318832.2); c.3784A>G, p.Arg1262Gly (NM_001363528.2); c.3850A>G, p.Arg1284Gly (NM_001370404.1); and 26 more; short protein forms R1061G, R1108G, R1213G, R1225G, R1255G, R1256G, R1292G, R1328G.
Identifiers: ClinVar variation 1954946 (VCV001954946.7), dbSNP rs778389399, ClinGen allele CA049833.
Genomic context (GRCh38, chr16:2,083,793, plus strand): 5'-GTTCCTGTGCTGGTGGAGCCCCCAGGGTTGGAGGACGTTGAGGCAGCGCTAGGCATGGAC[A>G]GGCGCACGGATGCCTACAGCAGGGTGAGTGTGGCTCAGAGCCTGGACCCTGCTGACCTCG-3'
Protein context (NP_000539.2, residues 1318-1338): EDVEAALGMD[Arg1328Gly]RTDAYSRSSS